The following is an entry in ClinVar:

NM_001130823.3(DNMT1):c.55T>C (p.Ser19Pro)

Genes: DNMT1 (DNA methyltransferase 1; minus strand), LOC130063472 (ATAC-STARR-seq lymphoblastoid silent region 10057; plus strand). Cytogenetic location: 19p13.2.
Variant type: single nucleotide variant.
Coding change: c.55T>C on transcript NM_001130823.3 (MANE Select); coding-DNA position 55, T replaced by C.
Protein change: p.Ser19Pro; replaces serine 19 with proline.
Molecular consequence: missense variant. On other transcripts: 5 prime UTR variant (1).
Genome position (GRCh38, 1-based): chr19:10,194,845, A>G on the plus strand (T>C on the coding strand, the complement: DNMT1 is on the minus strand). VCF-style: chr19-10194845-A-G. GRCh37 (hg19) VCF-style: chr19-10305521-A-G.
Other names: c.55T>C, p.Ser19Pro (NM_001379.4, NM_001318730.2); c.-269T>C (NM_001318731.2); short protein forms S19P.
Identifiers: ClinVar variation 2897740 (VCV002897740.3), dbSNP rs2513933553, ClinGen allele CA403950189.
Genomic context (GRCh38, chr19:10,194,845, plus strand): 5'-CCCCCTGAGTCCGTGTTCCCCCCCATGGTACCTACCGCCTGCGGACATCGTCGGGCAGCG[A>G]GATGGCCGGGACGGCCAGTGTGGGCACCCGGGCTGGGGCGGTACGCGCCGGCATCTCGGA-3'
Protein context (NP_001124295.1, residues 9-29): RVPTLAVPAI[Ser19Pro]LPDDVRRRLK

ClinVar aggregate classification (germline): Uncertain significance (1 of 4 stars; one submission).

Conditions:
Hereditary sensory neuropathy-deafness-dementia syndrome. Also called: Hereditary sensory neuropathy type IE; Hereditary Sensory and Autonomic Neuropathy Type 1E (HSAN1E); HSN IE; NEUROPATHY, HEREDITARY SENSORY, WITH HEARING LOSS AND DEMENTIA. Identifiers: Orphanet 456318, MedGen C3279885, MONDO:0013584, OMIM 614116.

Submission:

Labcorp Genetics (formerly Invitae), Labcorp
Classification: Uncertain significance for Hereditary sensory neuropathy-deafness-dementia syndrome. Last evaluated: 2022-11-29. Review status: criteria provided, single submitter. Criteria: Invitae Variant Classification Sherloc (09022015). Collection method: clinical testing. Allele origin: germline.
Comment: This sequence change replaces serine, which is neutral and polar, with proline, which is neutral and non-polar, at codon 19 of the DNMT1 protein (p.Ser19Pro). This variant is not present in population databases (gnomAD no frequency). This variant has not been reported in the literature in individuals affected with DNMT1-related conditions. Algorithms developed to predict the effect of missense changes on protein structure and function are either unavailable or do not agree on the potential impact of this missense change (SIFT: "Deleterious"; PolyPhen-2: "Probably Damaging"; Align-GVGD: "Class C0"). In summary, the available evidence is currently insufficient to determine the role of this variant in disease. Therefore, it has been classified as a Variant of Uncertain Significance.